The following is an entry in ClinVar:

NM_004364.5(CEBPA):c.292del (p.Thr98fs)

Gene: CEBPA (CCAAT enhancer binding protein alpha; minus strand). Cytogenetic location: 19q13.11.
Variant type: Deletion.
Coding change: c.292del on transcript NM_004364.5 (MANE Select); coding-DNA position 292, one base deleted (A; older notation c.292delA).
Protein change: p.Thr98fs; shifts the reading frame from threonine 98.
Molecular consequence: frameshift variant. On other transcripts: 5 prime UTR variant (1).
Genome position (GRCh38, 1-based): chr19:33,302,123, T deleted on the plus strand (A on the coding strand, the reverse complement: CEBPA is on the minus strand). VCF-style (leftmost placement, unchanged base first): chr19-33302122-GT-G. GRCh37 (hg19) VCF-style: chr19-33793028-GT-G.
Other names: c.-66del (NM_001285829.2); c.397del, p.Thr133fs (NM_001287424.2); c.250del, p.Thr84fs (NM_001287435.2); c.292delA (NM_004364.5); short protein forms T133fs, T84fs, T98fs.
Identifiers: ClinVar variation 1343787 (VCV001343787.1), dbSNP rs2513332280, ClinGen allele CA2580096799.

ClinVar aggregate classification (germline): Pathogenic (1 of 4 stars; one submission).

Conditions:
Acute myeloid leukemia (AML). Also called: Leukemia, acute myeloid, somatic; Leukemia, acute myelogenous, somatic; Acute myeloid leukemia, adult; AML adult; Acute non-lymphocytic leukemia; Acute granulocytic leukemia. Identifiers: Orphanet 519, MedGen C0023467, MeSH D015470, MONDO:0018874, OMIM 601626, HP:0004808. Disease mechanism: Constitutively activated FLT3.

Submission:

Genomic Diagnostics Laboratory, National Institute of Medical Genomics
Classification: Pathogenic for Acute myeloid leukemia. Review status: criteria provided, single submitter. Criteria: AMP Guidelines, 2017. Collection method: clinical testing. Allele origin: somatic. Affected: yes.
Comment: The variant was detected in bone marrow from patients, but it was not confirmed in the matched